The following is an entry in ClinVar:

NM_000088.4(COL1A1):c.210C>A (p.Cys70Ter)

Gene: COL1A1 (collagen type I alpha 1 chain; minus strand). Cytogenetic location: 17q21.33.
Variant type: single nucleotide variant.
Coding change: c.210C>A on transcript NM_000088.4 (MANE Select); coding-DNA position 210, C replaced by A.
Protein change: p.Cys70Ter; replaces cysteine 70 with a stop codon.
Molecular consequence: nonsense.
Genome position (GRCh38, 1-based): chr17:50,199,841, G>T on the plus strand (C>A on the coding strand, the complement: COL1A1 is on the minus strand). VCF-style: chr17-50199841-G-T. GRCh37 (hg19) VCF-style: chr17-48277202-G-T.
Other names: short protein forms C70*.
Identifiers: ClinVar variation 1322110 (VCV001322110.8), dbSNP rs2144594178, ClinGen allele CA400228324.

ClinVar aggregate classification (germline): Pathogenic. Review status: criteria provided, multiple submitters, no conflicts (2 of 4 stars). 3 submissions from 3 submitters: Pathogenic (3). Last evaluated 2024-12-19.

Conditions:
Osteogenesis imperfecta type I (OI1). Also called: OI, TYPE I; OSTEOGENESIS IMPERFECTA TARDA; OSTEOGENESIS IMPERFECTA WITH BLUE SCLERAE; Osteogenesis imperfecta type 1; Lobstein's Disease; Lobstein disease. Identifiers: Orphanet 216796, Orphanet 666, MedGen C0023931, MONDO:0008146, OMIM 166200. Disease mechanism: loss of function.
COL1A1-related disorder. Also called: COL1A1-related condition; COL1A1- related disease.

Submissions (3):

Labcorp Genetics (formerly Invitae), Labcorp
Classification: Pathogenic for Osteogenesis imperfecta type I. Last evaluated: 2024-12-19. Review status: criteria provided, single submitter. Criteria: Invitae Variant Classification Sherloc (09022015). Collection method: clinical testing. Allele origin: germline.
Comment: This sequence change creates a premature translational stop signal (p.Cys70*) in the COL1A1 gene. It is expected to result in an absent or disrupted protein product. Loss-of-function variants in COL1A1 are known to be pathogenic (PMID: 7942841, 9295084, 9443882). This variant is not present in population databases (gnomAD no frequency). This premature translational stop signal has been observed in individual(s) with COL1A1-related conditions (PMID: 33939306). ClinVar contains an entry for this variant (Variation ID: 1322110). For these reasons, this variant has been classified as Pathogenic.

Blueprint Genetics
Classification: Pathogenic for COL1A1-related disorders. Last evaluated: 2021-03-02. Review status: criteria provided, single submitter. Criteria: ACMG Guidelines, 2015. Collection method: clinical testing. Allele origin: germline. Affected: yes. Observed: 1 variant allele.

Revvity Omics, Revvity
Classification: Pathogenic. Last evaluated: 2020-09-15. Review status: criteria provided, single submitter. Criteria: ACMG Guidelines, 2015. Collection method: clinical testing. Allele origin: germline.

Literature cited by the submitters: PubMed 7942841 (cited by Labcorp Genetics (formerly Invitae), Labcorp); PubMed 9295084 (cited by Labcorp Genetics (formerly Invitae), Labcorp); PubMed 9443882 (cited by Labcorp Genetics (formerly Invitae), Labcorp); PubMed 33939306 (cited by Labcorp Genetics (formerly Invitae), Labcorp).